The following is an entry in ClinVar:

ClinVar aggregate classification (germline): Uncertain significance (1 of 4 stars; one submission).

Allele frequency attached by ClinVar (database versions not stated): gnomAD exomes 0.00002 and 0.00003; ExAC 0.00003; 1000 Genomes Project 30x 0.00016; 1000 Genomes Project 0.00020; gnomAD 0.00001.
gnomAD v4.1: 41 of 1,613,934 alleles (0.0025%); highest among the groups gnomAD compares: Non-Finnish European, 0.0035%; no homozygotes.

Submission:

Labcorp Genetics (formerly Invitae), Labcorp
Classification: Uncertain significance. Last evaluated: 2025-07-30. Review status: criteria provided, single submitter. Criteria: Invitae Variant Classification Sherloc (09022015). Collection method: clinical testing. Allele origin: germline.
Comment: This sequence change replaces valine, which is neutral and non-polar, with isoleucine, which is neutral and non-polar, at codon 2521 of the MTOR protein (p.Val2521Ile). This variant is present in population databases (rs529777655, gnomAD 0.004%). This variant has not been reported in the literature in individuals affected with MTOR-related conditions. ClinVar contains an entry for this variant (Variation ID: 948871). Invitae Evidence Modeling of protein sequence and biophysical properties (such as structural, functional, and spatial information, amino acid conservation, physicochemical variation, residue mobility, and thermodynamic stability) has been performed for this missense variant. However, the output from this modeling did not meet the statistical confidence thresholds required to predict the impact of this variant on MTOR protein function. In summary, the available evidence is currently insufficient to determine the role of this variant in disease. Therefore, it has been classified as a Variant of Uncertain Significance.

NM_004958.4(MTOR):c.7561G>A (p.Val2521Ile)

Gene: MTOR (mechanistic target of rapamycin kinase; minus strand). Cytogenetic location: 1p36.22.
Variant type: single nucleotide variant.
Coding change: c.7561G>A on transcript NM_004958.4 (MANE Select); coding-DNA position 7561, G replaced by A.
Protein change: p.Val2521Ile; replaces valine 2521 with isoleucine.
Molecular consequence: missense variant.
Genome position (GRCh38, 1-based): chr1:11,108,254, C>T on the plus strand (G>A on the coding strand, the complement: MTOR is on the minus strand). VCF-style: chr1-11108254-C-T. GRCh37 (hg19) VCF-style: chr1-11168311-C-T.
Other names: short protein forms V2521I.
Identifiers: ClinVar variation 948871 (VCV000948871.10), dbSNP rs529777655, ClinGen allele CA588786.
Genomic context (GRCh38, chr1:11,108,254, plus strand): 5'-ACTGGCAGAGGTTTTCATGGGATGTCGCTTGTTTGATGAGCAGCTCAACTTGCGTTGGAA[C>T]ATCCAAAGTGTCATCATGAGAGAAGTCCCGACCTAGCACAGGAGGAACAAAAACATTTCA-3'
Protein context (NP_004949.1, residues 2511-2531): RDFSHDDTLD[Val2521Ile]PTQVELLIKQ